The following is an entry in ClinVar:

NM_153676.4(USH1C):c.348_373del (p.His116fs)

Gene: USH1C (USH1 protein network component harmonin; minus strand). Cytogenetic location: 11p15.1.
Variant type: Deletion.
Coding change: c.348_373del on transcript NM_153676.4 (MANE Select); coding-DNA positions 348 to 373, 26 bases deleted (CCTCATCAAAGGCGGTCAGGCAGACA).
Protein change: p.His116fs; shifts the reading frame from histidine 116.
Molecular consequence: frameshift variant. On other transcripts: non-coding transcript variant (1).
Genome position (GRCh38, 1-based): chr11:17,531,168-17,531,193, TGTCTGCCTGACCGCCTTTGATGAGG deleted on the plus strand (CCTCATCAAAGGCGGTCAGGCAGACA on the coding strand, the reverse complement: USH1C is on the minus strand); deleting any 26 consecutive bases within chr11:17,531,168-17,531,195 gives the same sequence; the c. name uses the placement nearest the transcript's 3' end. VCF-style (leftmost placement, unchanged base first): chr11-17531167-CTGTCTGCCTGACCGCCTTTGATGAGG-C. GRCh37 (hg19) VCF-style: chr11-17552714-CTGTCTGCCTGACCGCCTTTGATGAGG-C.
Other names: c.348_373del, p.His116fs (NM_001297764.2, NM_005709.4); short protein forms H116fs.
Identifiers: ClinVar variation 1422631 (VCV001422631.9), dbSNP rs2133917820, ClinGen allele CA2573146171.

ClinVar aggregate classification (germline): Pathogenic. Review status: criteria provided, multiple submitters, no conflicts (2 of 4 stars). 3 submissions from 3 submitters: Pathogenic (3). Last evaluated 2025-06-04.

Conditions:
Autosomal recessive nonsyndromic hearing loss 18A. Also called: Deafness, autosomal recessive 18A; DEAFNESS, AUTOSOMAL RECESSIVE 18. Identifiers: Orphanet 90636, MedGen C1865870, MONDO:0011192, OMIM 602092.
Usher syndrome type 1C. Also called: USHER SYNDROME, TYPE I, ACADIAN VARIETY. Identifiers: Orphanet 231169, Orphanet 886, MedGen C1848604, MONDO:0010171, OMIM 276904.

Submissions (3):

Labcorp Genetics (formerly Invitae), Labcorp
Classification: Pathogenic. Last evaluated: 2025-06-04. Review status: criteria provided, single submitter. Criteria: Invitae Variant Classification Sherloc (09022015). Collection method: clinical testing. Allele origin: germline.
Comment: This sequence change creates a premature translational stop signal (p.His116Glnfs*24) in the USH1C gene. It is expected to result in an absent or disrupted protein product. Loss-of-function variants in USH1C are known to be pathogenic (PMID: 10973247, 17407589, 20301442, 21203349). This variant is not present in population databases (gnomAD no frequency). This premature translational stop signal has been observed in individual(s) with Usher syndrome (PMID: 33576794). ClinVar contains an entry for this variant (Variation ID: 1422631). For these reasons, this variant has been classified as Pathogenic.

Fulgent Genetics
Classification: Pathogenic for Usher syndrome type 1C; Autosomal recessive nonsyndromic hearing loss 18A. Last evaluated: 2024-04-19. Review status: criteria provided, single submitter. Criteria: ACMG Guidelines, 2015. Collection method: clinical testing. Allele origin: germline.

Baylor Genetics
Classification: Pathogenic for Autosomal recessive nonsyndromic hearing loss 18A. Last evaluated: 2024-03-23. Review status: criteria provided, single submitter. Criteria: ACMG Guidelines, 2015. Collection method: clinical testing. Allele origin: unknown.

Literature cited by the submitters: PubMed 10973247 (cited by Labcorp Genetics (formerly Invitae), Labcorp); PubMed 17407589 (cited by Labcorp Genetics (formerly Invitae), Labcorp); PubMed 20301442 (cited by Labcorp Genetics (formerly Invitae), Labcorp); PubMed 21203349 (cited by Labcorp Genetics (formerly Invitae), Labcorp); PubMed 33576794 (cited by Labcorp Genetics (formerly Invitae), Labcorp).